The following is an entry in ClinVar:

ClinVar aggregate classification (germline): Likely pathogenic (0 of 4 stars; one submission).

Conditions:
Neuronal ceroid lipofuscinosis 1 (CLN1). Also called: CEROID LIPOFUSCINOSIS, NEURONAL, 1, VARIABLE AGE AT ONSET; PPT1-Related Neuronal Ceroid-Lipofuscinosis. Identifiers: Orphanet 228329, MedGen C1850451, MONDO:0009744, OMIM 256730.

Submission:

Juha Muilu Group; Institute for Molecular Medicine Finland (FIMM)
Classification: Likely pathogenic for Ceroid lipofuscinosis neuronal 1. Review status: no assertion criteria provided. Collection method: not provided. Allele origin: unknown.
Comment: FinDis database variant: This variant was not found or characterized by our laboratory, data were collected from public sources: see reference
ClinVar note: Converted during submission from probable-pathogenic to Likely pathogenic.

NM_000310.4(PPT1):c.538dup (p.Leu180fs)

Gene: PPT1 (palmitoyl-protein thioesterase 1; minus strand). Cytogenetic location: 1p34.2.
Variant type: Duplication.
Coding change: c.538dup on transcript NM_000310.4 (MANE Select); coding-DNA position 538, one base duplicated (C; older notation c.538dupC).
Protein change: p.Leu180fs; shifts the reading frame from leucine 180.
Molecular consequence: frameshift variant.
Genome position (GRCh38, 1-based): chr1:40,080,486, G duplicated on the plus strand (C on the coding strand, the reverse complement: PPT1 is on the minus strand); the first of 2 consecutive G bases (chr1:40,080,486-40,080,487); duplicating either gives the same sequence. VCF-style (leftmost placement, unchanged base first): chr1-40080485-A-AG. GRCh37 (hg19) VCF-style: chr1-40546157-A-AG.
Other names: c.229dup, p.Leu77fs (NM_001142604.2); c.538dup, p.Leu180fs (NM_001363695.2); c.538dupC (NM_000310.3); short protein forms L77fs, L180fs.
Identifiers: ClinVar variation 56201 (VCV000056201.2), dbSNP rs386833653, ClinGen allele CA263520.